The following is an entry in ClinVar:

ClinVar aggregate classification (germline): Uncertain significance. Review status: criteria provided, multiple submitters, no conflicts (2 of 4 stars). 3 submissions from 3 submitters: Uncertain significance (3). Last evaluated 2025-06-01.

Conditions:
Cardiovascular phenotype. Identifiers: MedGen CN230736.
DK1-congenital disorder of glycosylation. Also called: CDG Im; DK1-CDG; DOLK-congenital disorder of glycosylation; Carbohydrate deficient glycoprotein syndrome type 1m; DK1 DEFICIENCY; DOLICHOL KINASE DEFICIENCY. Identifiers: Orphanet 91131, MedGen C1835849, MONDO:0012556, OMIM 610768.

Allele frequency attached by ClinVar (database versions not stated): ExAC 0.00002; gnomAD 0.00002 and 0.00003; gnomAD exomes 0.00002 and 0.00004; TOPMed 0.00002; ESP Exome Variant Server 0.00008; 1000 Genomes Project 30x 0.00016; 1000 Genomes Project 0.00020.

Submissions (3):

Ambry Genetics
Classification: Uncertain significance for Cardiovascular phenotype. Last evaluated: 2025-06-01. Review status: criteria provided, single submitter. Criteria: Ambry Variant Classification Scheme 2023. Collection method: clinical testing. Allele origin: germline.
Comment: The p.Y55C variant (also known as c.164A>G), located in coding exon 1 of the DOLK gene, results from an A to G substitution at nucleotide position 164. The tyrosine at codon 55 is replaced by cysteine, an amino acid with highly dissimilar properties. This amino acid position is conserved. In addition, the in silico prediction for this alteration is inconclusive. Since supporting evidence is limited at this time, the clinical significance of this alteration remains unclear.

Molecular Diagnostic Laboratory for Inherited Cardiovascular Disease, Montreal Heart Institute
Classification: Uncertain significance for Cardiovascular phenotype. Last evaluated: 2025-04-09. Review status: criteria provided, single submitter. Criteria: ACMG Guidelines, 2015. Collection method: clinical testing. Allele origin: germline. Affected: yes.
Comment: PM2, PP3

Labcorp Genetics (formerly Invitae), Labcorp
Classification: Uncertain significance for DK1-congenital disorder of glycosylation. Last evaluated: 2022-03-18. Review status: criteria provided, single submitter. Criteria: Invitae Variant Classification Sherloc (09022015). Collection method: clinical testing. Allele origin: germline.
Comment: This sequence change replaces tyrosine, which is neutral and polar, with cysteine, which is neutral and slightly polar, at codon 55 of the DOLK protein (p.Tyr55Cys). This variant is present in population databases (rs41305507, gnomAD 0.006%). This variant has not been reported in the literature in individuals affected with DOLK-related conditions. ClinVar contains an entry for this variant (Variation ID: 661845). Algorithms developed to predict the effect of missense changes on protein structure and function are either unavailable or do not agree on the potential impact of this missense change (SIFT: "Tolerated"; PolyPhen-2: "Probably Damaging"; Align-GVGD: "Class C0"). In summary, the available evidence is currently insufficient to determine the role of this variant in disease. Therefore, it has been classified as a Variant of Uncertain Significance.

NM_014908.4(DOLK):c.164A>G (p.Tyr55Cys)

Gene: DOLK (dolichol kinase; minus strand). Cytogenetic location: 9q34.11.
Variant type: single nucleotide variant.
Coding change: c.164A>G on transcript NM_014908.4 (MANE Select); coding-DNA position 164, A replaced by G.
Protein change: p.Tyr55Cys; replaces tyrosine 55 with cysteine.
Molecular consequence: missense variant.
Genome position (GRCh38, 1-based): chr9:128,947,140, T>C on the plus strand (A>G on the coding strand, the complement: DOLK is on the minus strand). VCF-style: chr9-128947140-T-C. GRCh37 (hg19) VCF-style: chr9-131709419-T-C.
Other names: short protein forms Y55C.
Identifiers: ClinVar variation 661845 (VCV000661845.10), dbSNP rs41305507, ClinGen allele CA5271791.